The following is an entry in ClinVar:

NM_000179.3(MSH6):c.3647-7_3647-6delinsCA

Gene: MSH6 (mutS homolog 6; plus strand). Cytogenetic location: 2p16.3.
Variant type: Indel.
Coding change: c.3647-7_3647-6delinsCA on transcript NM_000179.3 (MANE Select); 7 bases into the intron before coding-DNA position 3647 through 6 bases into the intron before coding-DNA position 3647, TT replaced by CA.
Molecular consequence: intron variant.
Genome position (GRCh38, 1-based): chr2:47,806,197-47,806,198, TT replaced by CA. VCF-style: chr2-47806197-TT-CA. GRCh37 (hg19) VCF-style: chr2-48033336-TT-CA.
Other names: c.3350-7_3350-6delinsCA (NM_001406827.1, NM_001406824.1, NM_001406820.1 and 10 more transcripts); c.2741-7_2741-6delinsCA (NM_001406823.1, NM_001281494.2, NM_001406811.1 and 6 more transcripts); c.494-7_494-6delinsCA (NM_001406832.1); c.428-7_428-6delinsCA (NM_001406831.1); c.3647-7_3647-6delinsCA (NM_001406809.1, NM_001406796.1, NM_001406808.1 and 1 more transcripts); c.3743-7_3743-6delinsCA (NM_001406795.1, NM_001406802.1); c.3653-7_3653-6delinsCA (NM_001406813.1); c.3122-7_3122-6delinsCA (NM_001406807.1, NM_001406799.1, NM_001406806.1); and 7 more.
Identifiers: ClinVar variation 3632805 (VCV003632805.2).
Genomic context (GRCh38, chr2:47,806,197, plus strand): 5'-TTGTTTTAATTCCTTTTTTGTTTTAATTCCTTTGAGTTACTTCCTTATGCATATTTTACT[TT>CA]AACAGGAAGAGGTACTGCAACATTTGATGGGACGGCAATAGCAAATGCAGTTGTTAAAGA-3'

ClinVar aggregate classification (germline): Uncertain significance (1 of 4 stars; one submission).

Conditions:
Hereditary nonpolyposis colorectal neoplasms. Identifiers: MedGen C0009405, MeSH D003123.

Submission:

Labcorp Genetics (formerly Invitae), Labcorp
Classification: Uncertain significance for Hereditary nonpolyposis colorectal neoplasms. Last evaluated: 2024-01-16. Review status: criteria provided, single submitter. Criteria: Invitae Variant Classification Sherloc (09022015). Collection method: clinical testing. Allele origin: germline.
Comment: This sequence change falls in intron 7 of the MSH6 gene. It does not directly change the encoded amino acid sequence of the MSH6 protein. Information on the frequency of this variant in the gnomAD database is not available, as this variant may be reported differently in the database. This variant has not been reported in the literature in individuals affected with MSH6-related conditions. Experimental studies and prediction algorithms are not available or were not evaluated, and the effect of this variant on mRNA splicing is currently unknown. In summary, the available evidence is currently insufficient to determine the role of this variant in disease. Therefore, it has been classified as a Variant of Uncertain Significance.